The following is an entry in ClinVar:

NC_000001.10:g.(?_12056193)_(12056395_?)del

Gene: MFN2 (mitofusin 2; plus strand). Cytogenetic location: 1p36.22.
Variant type: Deletion.
Identifiers: ClinVar variation 3247854 (VCV003247854.1).

ClinVar aggregate classification (germline): Pathogenic (1 of 4 stars; one submission).

Conditions:
Charcot-Marie-Tooth disease type 2. Also called: Charcot-Marie-Tooth type 2. Identifiers: Orphanet 64746, MedGen C0270914, MONDO:0018993.

Submission:

Labcorp Genetics (formerly Invitae), Labcorp
Classification: Pathogenic for Charcot-Marie-Tooth disease type 2. Last evaluated: 2023-06-30. Review status: criteria provided, single submitter. Criteria: Invitae Variant Classification Sherloc (09022015). Collection method: clinical testing. Allele origin: unknown.
Comment: For these reasons, this variant has been classified as Pathogenic. This variant has not been reported in the literature in individuals affected with MFN2-related conditions. This variant is a gross deletion of the genomic region encompassing exon(s) 5 of the MFN2 gene. This deletion is out-of-frame, and is expected to create a premature termination codon and result in an absent or disrupted protein product. Loss-of-function variants in MFN2 are known to be pathogenic (PMID: 16714318, 16835246, 21715711, 23781337, 26955893).

Literature cited by the submitters: PubMed 16714318; PubMed 16835246; PubMed 21715711; PubMed 23781337; PubMed 26955893.